The following is an entry in ClinVar:

ClinVar aggregate classification (germline): Uncertain significance (1 of 4 stars; one submission).

Conditions:
Neuropathy, hereditary sensory and autonomic, type 2A (HSAN2A). Also called: WNK1-Related HSAN2 (HSAN2A); MORVAN DISEASE; NEUROPATHY, CONGENITAL SENSORY; NEUROPATHY, HEREDITARY SENSORY RADICULAR, AUTOSOMAL RECESSIVE; NEUROPATHY, HEREDITARY SENSORY, TYPE IIA; NEUROPATHY, PROGRESSIVE SENSORY, OF CHILDREN. Identifiers: Orphanet 970, MedGen C2752089, MONDO:0024309, OMIM 201300.
Generalized epilepsy with febrile seizures plus, type 7 (GEFSP7). Also called: GEFS+, TYPE 7. Identifiers: Orphanet 36387, MedGen C2751778, MONDO:0013470, OMIM 613863.

Allele frequency attached by ClinVar (database versions not stated): gnomAD exomes below 0.00001; ExAC 0.00001.
gnomAD v4.1: 1 of 1,612,964 alleles (0.000062%); highest among the groups gnomAD compares: South Asian, 0.0011%; no homozygotes.

Submission:

Labcorp Genetics (formerly Invitae), Labcorp
Classification: Uncertain significance for Neuropathy, hereditary sensory and autonomic, type 2A; Generalized epilepsy with febrile seizures plus, type 7. Last evaluated: 2025-10-29. Review status: criteria provided, single submitter. Criteria: Invitae Variant Classification Sherloc (09022015). Collection method: clinical testing. Allele origin: germline.
Comment: This sequence change replaces serine, which is neutral and polar, with cysteine, which is neutral and slightly polar, at codon 661 of the SCN9A protein (p.Ser661Cys). This variant is present in population databases (rs191955307, gnomAD 0.003%). This variant has not been reported in the literature in individuals affected with SCN9A-related conditions. ClinVar contains an entry for this variant (Variation ID: 2174464). Invitae Evidence Modeling of protein sequence and biophysical properties (such as structural, functional, and spatial information, amino acid conservation, physicochemical variation, residue mobility, and thermodynamic stability) indicates that this missense variant is not expected to disrupt SCN9A protein function with a negative predictive value of 95%. In summary, the available evidence is currently insufficient to determine the role of this variant in disease. Therefore, it has been classified as a Variant of Uncertain Significance.

NM_001365536.1(SCN9A):c.2015C>G (p.Ser672Cys)

Genes: SCN9A (sodium voltage-gated channel alpha subunit 9; minus strand), SCN1A-AS1 (SCN1A and SCN9A antisense RNA 1; plus strand). Cytogenetic location: 2q24.3.
Variant type: single nucleotide variant.
Coding change: c.2015C>G on transcript NM_001365536.1 (MANE Select); coding-DNA position 2015, C replaced by G.
Protein change: p.Ser672Cys; replaces serine 672 with cysteine.
Molecular consequence: missense variant.
Genome position (GRCh38, 1-based): chr2:166,281,768, G>C on the plus strand (C>G on the coding strand, the complement: SCN9A is on the minus strand). VCF-style: chr2-166281768-G-C. GRCh37 (hg19) VCF-style: chr2-167138278-G-C.
Other names: c.1982C>G, p.Ser661Cys (NM_002977.4); short protein forms S661C, S672C.
Identifiers: ClinVar variation 2174464 (VCV002174464.4), dbSNP rs191955307, ClinGen allele CA1944358.